The following is an entry in ClinVar:

NM_001386140.1(MTTP):c.1769+1G>A

Gene: MTTP (microsomal triglyceride transfer protein; plus strand). Cytogenetic location: 4q23.
Variant type: single nucleotide variant.
Coding change: c.1769+1G>A on transcript NM_001386140.1 (MANE Select); the canonical splice donor site of the intron after coding-DNA position 1769, G replaced by A.
Molecular consequence: splice donor variant.
Genome position (GRCh38, 1-based): chr4:99,608,978, G>A. VCF-style: chr4-99608978-G-A. GRCh37 (hg19) VCF-style: chr4-100530135-G-A.
Other names: c.1769+1G>A (NM_000253.4); c.1520+1G>A (NM_001300785.2).
Identifiers: ClinVar variation 4058049 (VCV004058049.2).
Genomic context (GRCh38, chr4:99,608,978, plus strand): 5'-AATGAATAAATACATGCTCGCCATTGTTCAAGACATCCTACGTTTTGAAATGCCTGCAAG[G>A]TATAATACATTGCACATGTCTCTCTGTGTATTCAAGCTTATTTGTGTGTTCATGGGGTAC-3'

ClinVar aggregate classification (germline): Pathogenic (1 of 4 stars; one submission).

Conditions:
Abetalipoproteinaemia (ABL). Also called: Congenital betalipoprotein deficiency syndrome; MTP DEFICIENCY; Abetalipoproteinemia; Abetalipoproteinemia neuropathy; Apolipoprotein B deficiency. Identifiers: Orphanet 14, MedGen C0000744, MONDO:0008692, OMIM 200100, HP:0008181.

Submission:

Natera, Inc.
Classification: Pathogenic for Abetalipoproteinemia. Last evaluated: 2025-02-10. Review status: criteria provided, single submitter. Criteria: Natera Variant Classification Schema (03/2026). Collection method: clinical testing. Allele origin: germline.
Comment: The c.1769+1G>A variant in MTTP is a canonical splice donor site variant predicted to affect pre-mRNA splicing, which may result in an abnormal transcript and altered protein product. This variant is expected to result in nonsense mediated decay, truncation, or a dysfunctional protein product. This variant is rare in the general population with a frequency below the threshold expected for the associated phenotype(s). This variant has been observed in one or more individuals affected with the associated recessive disease, as either homozygous or compound heterozygous with a second variant (PMID: 10679949). Given the available evidence, this variant is classified as Pathogenic.

Literature cited by the submitters: PubMed 10679949.